The following is an entry in ClinVar:

NM_000038.6(APC):c.5280C>A (p.Pro1760=)

Gene: APC (APC regulator of Wnt signaling pathway; plus strand). Cytogenetic location: 5q22.2.
Variant type: single nucleotide variant.
Coding change: c.5280C>A on transcript NM_000038.6 (MANE Select); coding-DNA position 5280, C replaced by A.
Protein change: p.Pro1760=; no amino-acid change (proline 1760 retained).
Molecular consequence: synonymous variant.
Genome position (GRCh38, 1-based): chr5:112,840,874, C>A. VCF-style: chr5-112840874-C-A. GRCh37 (hg19) VCF-style: chr5-112176571-C-A.
Other names: c.5280C>A, p.Pro1760= (NM_001127510.3, NM_001354895.2); c.5226C>A, p.Pro1742= (NM_001127511.3); c.5334C>A, p.Pro1778= (NM_001354896.2); c.5310C>A, p.Pro1770= (NM_001354897.2); c.5205C>A, p.Pro1735= (NM_001354898.2); c.5196C>A, p.Pro1732= (NM_001354899.2); c.5157C>A, p.Pro1719= (NM_001354900.2); c.5103C>A, p.Pro1701= (NM_001354901.2); and 5 more.
Identifiers: ClinVar variation 490300 (VCV000490300.4), dbSNP rs1554086592, ClinGen allele CA446209680.

ClinVar aggregate classification (germline): Benign/Likely benign. Review status: criteria provided, multiple submitters, no conflicts (2 of 4 stars). 2 submissions from 2 submitters: Benign (1); Likely benign (1). Last evaluated 2024-04-01.

Conditions:
Familial adenomatous polyposis 1 (FAP1). Also called: POLYPOSIS, ADENOMATOUS INTESTINAL; FAMILIAL ADENOMATOUS POLYPOSIS 1, ATTENUATED. Identifiers: MedGen C2713442, MONDO:0021056, OMIM 175100. Disease mechanism: loss of function.
Hereditary cancer-predisposing syndrome. Also called: Hereditary Cancer Syndrome; Neoplastic Syndromes, Hereditary; Tumor predisposition; Hereditary neoplastic syndrome. Identifiers: Orphanet 140162, MedGen C0027672, MeSH D009386, MONDO:0015356.

Submissions (2):

Myriad Genetics, Inc.
Classification: Benign for Familial adenomatous polyposis 1. Last evaluated: 2024-04-01. Review status: criteria provided, single submitter. Criteria: Myriad Autosomal Dominant, Autosomal Recessive and X-Linked Classification Criteria (2023). Collection method: clinical testing. Allele origin: unknown.
Comment: This variant is considered benign. This variant is a silent/synonymous amino acid change and it is not expected to impact splicing.

Color Diagnostics, LLC DBA Color Health
Classification: Likely benign for Hereditary cancer-predisposing syndrome. Last evaluated: 2017-03-27. Review status: criteria provided, single submitter. Criteria: ACMG Guidelines, 2015. Collection method: clinical testing. Allele origin: germline.